The following is an entry in ClinVar:

NM_000026.4(ADSL):c.899G>A (p.Arg300His)

Gene: ADSL (adenylosuccinate lyase; plus strand). Cytogenetic location: 22q13.1.
Variant type: single nucleotide variant.
Coding change: c.899G>A on transcript NM_000026.4 (MANE Select); coding-DNA position 899, G replaced by A.
Protein change: p.Arg300His; replaces arginine 300 with histidine.
Molecular consequence: missense variant. On other transcripts: non-coding transcript variant (1).
Genome position (GRCh38, 1-based): chr22:40,361,524, G>A. VCF-style: chr22-40361524-G-A. GRCh37 (hg19) VCF-style: chr22-40757528-G-A.
Other names: c.899G>A, p.Arg300His (NM_001123378.3, NM_001363840.3); c.707G>A, p.Arg236His (NM_001317923.2); short protein forms R300H, R236H.
Identifiers: ClinVar variation 218419 (VCV000218419.8), dbSNP rs864309550, ClinGen allele CA249024.

ClinVar aggregate classification (germline): Uncertain significance. Review status: criteria provided, multiple submitters, no conflicts (2 of 4 stars). 2 submissions from 2 submitters: Uncertain significance (2). Last evaluated 2024-01-30.

Conditions:
Adenylosuccinate lyase deficiency (ADSLD). Also called: ADSL DEFICIENCY. Identifiers: Orphanet 46, MedGen C0268126, MONDO:0007068, OMIM 103050.

Allele frequency attached by ClinVar (database versions not stated): gnomAD exomes below 0.00001; gnomAD 0.00001; TOPMed 0.00001.
gnomAD v4.1: 20 of 1,614,064 alleles (0.0012%); highest among the groups gnomAD compares: Middle Eastern, 0.016%; no homozygotes.

Submissions (2):

Labcorp Genetics (formerly Invitae), Labcorp
Classification: Uncertain significance for Adenylosuccinate lyase deficiency. Last evaluated: 2024-01-30. Review status: criteria provided, single submitter. Criteria: Invitae Variant Classification Sherloc (09022015). Collection method: clinical testing. Allele origin: germline.
Comment: This sequence change replaces arginine, which is basic and polar, with histidine, which is basic and polar, at codon 300 of the ADSL protein (p.Arg300His). This variant is present in population databases (no rsID available, gnomAD 0.0009%). This variant has not been reported in the literature in individuals affected with ADSL-related conditions. ClinVar contains an entry for this variant (Variation ID: 218419). Advanced modeling of protein sequence and biophysical properties (such as structural, functional, and spatial information, amino acid conservation, physicochemical variation, residue mobility, and thermodynamic stability) performed at Invitae indicates that this missense variant is expected to disrupt ADSL protein function with a positive predictive value of 80%. In summary, the available evidence is currently insufficient to determine the role of this variant in disease. Therefore, it has been classified as a Variant of Uncertain Significance.

Genomic Diagnostic Laboratory, Division of Genomic Diagnostics, Children's Hospital of Philadelphia
Classification: Uncertain significance. Last evaluated: 2015-06-17. Review status: criteria provided, single submitter. Criteria: DGD Variant Analysis Guidelines. Collection method: clinical testing. Allele origin: unknown.